The following is an entry in ClinVar:

NM_014845.6(FIG4):c.1714C>T (p.Gln572Ter)

Gene: FIG4 (FIG4 phosphoinositide 5-phosphatase; plus strand). Cytogenetic location: 6q21.
Variant type: single nucleotide variant.
Coding change: c.1714C>T on transcript NM_014845.6 (MANE Select); coding-DNA position 1714, C replaced by T.
Protein change: p.Gln572Ter; replaces glutamine 572 with a stop codon.
Molecular consequence: nonsense.
Genome position (GRCh38, 1-based): chr6:109,766,859, C>T. VCF-style: chr6-109766859-C-T. GRCh37 (hg19) VCF-style: chr6-110088062-C-T.
Other names: short protein forms Q572*.
Identifiers: ClinVar variation 2769596 (VCV002769596.3), dbSNP rs2486185880, ClinGen allele CA365228749.
Genomic context (GRCh38, chr6:109,766,859, plus strand): 5'-CATCGTGTGAAAACCTACAGAAAGATAGCACCATGGACCCAGCACTCCAAAGACATCATG[C>T]AAACCCTGTCTAGATATTACAGCAATGCTTTTTCAGGTAATTCTGAAGTAATAGCTATTT-3'

ClinVar aggregate classification (germline): Pathogenic (1 of 4 stars; one submission).

Conditions:
Charcot-Marie-Tooth disease type 4. Also called: Charcot-Marie-Tooth, Type 4; Charcot-Marie-Tooth disease, type IV. Identifiers: Orphanet 64749, MedGen C4082197, MONDO:0018995.

Submission:

Labcorp Genetics (formerly Invitae), Labcorp
Classification: Pathogenic for Charcot-Marie-Tooth disease type 4. Last evaluated: 2023-12-01. Review status: criteria provided, single submitter. Criteria: Invitae Variant Classification Sherloc (09022015). Collection method: clinical testing. Allele origin: germline.
Comment: This sequence change creates a premature translational stop signal (p.Gln572*) in the FIG4 gene. It is expected to result in an absent or disrupted protein product. Loss-of-function variants in FIG4 are known to be pathogenic (PMID: 23623387, 30740813). This variant is not present in population databases (gnomAD no frequency). This variant has not been reported in the literature in individuals affected with FIG4-related conditions. For these reasons, this variant has been classified as Pathogenic.

Literature cited by the submitters: PubMed 23623387; PubMed 30740813.